The following is an entry in ClinVar:

ClinVar aggregate classification (germline): Likely benign (1 of 4 stars; one submission).

Conditions:
Hypertrophic cardiomyopathy. Also called: HYPERTROPHIC MYOCARDIOPATHY. Identifiers: Orphanet 217569, MedGen C0007194, MeSH D002312, MONDO:0005045, HP:0001639.

Submission:

All of Us Research Program, National Institutes of Health
Classification: Likely benign for Hypertrophic cardiomyopathy. Last evaluated: 2023-10-27. Review status: criteria provided, single submitter. Criteria: ACMG Guidelines, 2015. Collection method: clinical testing. Allele origin: germline. Inheritance: Autosomal dominant inheritance. Observed: 1 variant allele, 1 heterozygote.
Comment: This study involves interpretation of variants in research participants for the purpose of population health screening. Participant phenotype was not available at the time of variant classification. Additional details can be found in publication PMID: 35346344, PMCID: PMC8962531

NM_000256.3(MYBPC3):c.1566G>C (p.Ala522=)

Gene: MYBPC3 (myosin binding protein C3; minus strand). Cytogenetic location: 11p11.2.
Variant type: single nucleotide variant.
Coding change: c.1566G>C on transcript NM_000256.3 (MANE Select); coding-DNA position 1566, G replaced by C.
Protein change: p.Ala522=; no amino-acid change (alanine 522 retained).
Molecular consequence: synonymous variant.
Genome position (GRCh38, 1-based): chr11:47,342,636, C>G on the plus strand (G>C on the coding strand, the complement: MYBPC3 is on the minus strand). VCF-style: chr11-47342636-C-G. GRCh37 (hg19) VCF-style: chr11-47364187-C-G.
Identifiers: ClinVar variation 3074165 (VCV003074165.1), dbSNP rs376041792, ClinGen allele CA474219735.